The following is an entry in ClinVar:

ClinVar aggregate classification (germline): Benign (1 of 4 stars; one submission).

Allele frequency attached by ClinVar (database versions not stated): 1000 Genomes Project 0.00240; 1000 Genomes Project 30x 0.00265; TOPMed 0.00601; gnomAD 0.00651; ExAC 0.00779; ESP Exome Variant Server 0.00830; gnomAD exomes 0.00979.
gnomAD v4.1: 15,097 of 1,614,090 alleles (0.94%); highest among the groups gnomAD compares: Non-Finnish European, 1.2%; 114 homozygotes.

Submission:

CeGaT Center for Human Genetics Tuebingen
Classification: Benign. Last evaluated: 2024-02-01. Review status: criteria provided, single submitter. Criteria: CeGaT Center For Human Genetics Tuebingen Variant Classification Criteria Version 2. Collection method: clinical testing. Allele origin: germline. Affected: yes. Observed: 1 variant allele.
Comment: SAXO6: BP4, BP7, BS1, BS2

NM_001354969.2(SAXO6):c.1278C>T (p.Ile426=)

Gene: SAXO6 (stabilizer of axonemal microtubules 6; minus strand). Cytogenetic location: 12q15.
Variant type: single nucleotide variant.
Coding change: c.1278C>T on transcript NM_001354969.2 (MANE Select); coding-DNA position 1278, C replaced by T.
Protein change: p.Ile426=; no amino-acid change (isoleucine 426 retained).
Molecular consequence: synonymous variant.
Genome position (GRCh38, 1-based): chr12:68,315,199, G>A on the plus strand (C>T on the coding strand, the complement: SAXO6 is on the minus strand). VCF-style: chr12-68315199-G-A. GRCh37 (hg19) VCF-style: chr12-68708979-G-A.
Other names: c.1143C>T, p.Ile381= (NM_001205028.3); c.1128C>T, p.Ile376= (NM_001354970.2); c.438C>T, p.Ile146= (NM_001354971.2, NM_001354972.2, NM_001354973.2 and 1 more transcripts); c.408C>T, p.Ile136= (NM_001354974.2); c.1248C>T, p.Ile416= (NM_017440.6).
Identifiers: ClinVar variation 3024764 (VCV003024764.22), dbSNP rs139553308, ClinGen allele CA6676621.